The following is an entry in ClinVar:

NM_144573.4(NEXN):c.1796T>G (p.Val599Gly)

Gene: NEXN (nexilin F-actin binding protein; plus strand). Cytogenetic location: 1p31.1.
Variant type: single nucleotide variant.
Coding change: c.1796T>G on transcript NM_144573.4 (MANE Select); coding-DNA position 1796, T replaced by G.
Protein change: p.Val599Gly; replaces valine 599 with glycine.
Molecular consequence: missense variant.
Genome position (GRCh38, 1-based): chr1:77,942,597, T>G. VCF-style: chr1-77942597-T-G. GRCh37 (hg19) VCF-style: chr1-78408282-T-G.
Other names: c.1604T>G, p.Val535Gly (NM_001172309.2); short protein forms V535G, V599G.
Identifiers: ClinVar variation 1780272 (VCV001780272.4), dbSNP rs1651469227, ClinGen allele CA340882683.

ClinVar aggregate classification (germline): Uncertain significance. Review status: criteria provided, multiple submitters, no conflicts (2 of 4 stars). 3 submissions from 3 submitters: Uncertain significance (3). Last evaluated 2026-01-27.

Conditions:
Cardiovascular phenotype. Identifiers: MedGen CN230736.
Dilated cardiomyopathy 1CC (CMD1CC). Identifiers: Orphanet 154, MedGen C2751084, MONDO:0013147, OMIM 613122.
Hypertrophic cardiomyopathy 20. Identifiers: MedGen C3151267, MONDO:0013477, OMIM 613876.

Allele frequency attached by ClinVar (database versions not stated): gnomAD exomes 0.00001.
gnomAD v4.1: 9 of 1,613,866 alleles (0.00056%); highest among the groups gnomAD compares: Non-Finnish European, 0.00076%; no homozygotes.

Submissions (3):

Labcorp Genetics (formerly Invitae), Labcorp
Classification: Uncertain significance for Dilated cardiomyopathy 1CC; Hypertrophic cardiomyopathy 20. Last evaluated: 2026-01-27. Review status: criteria provided, single submitter. Criteria: Invitae Variant Classification Sherloc (09022015). Collection method: clinical testing. Allele origin: germline.
Comment: This sequence change replaces valine, which is neutral and non-polar, with glycine, which is neutral and non-polar, at codon 599 of the NEXN protein (p.Val599Gly). This variant is not present in population databases (gnomAD no frequency). This variant has not been reported in the literature in individuals affected with NEXN-related conditions. ClinVar contains an entry for this variant (Variation ID: 1780272). Invitae Evidence Modeling of protein sequence and biophysical properties (such as structural, functional, and spatial information, amino acid conservation, physicochemical variation, residue mobility, and thermodynamic stability) has been performed for this missense variant. However, the output from this modeling did not meet the statistical confidence thresholds required to predict the impact of this variant on NEXN protein function. In summary, the available evidence is currently insufficient to determine the role of this variant in disease. Therefore, it has been classified as a Variant of Uncertain Significance.

Ambry Genetics
Classification: Uncertain significance for Cardiovascular phenotype. Last evaluated: 2019-09-19. Review status: criteria provided, single submitter. Criteria: Ambry Variant Classification Scheme 2023. Collection method: clinical testing. Allele origin: germline.
Comment: The p.V599G variant (also known as c.1796T>G), located in coding exon 12 of the NEXN gene, results from a T to G substitution at nucleotide position 1796. The valine at codon 599 is replaced by glycine, an amino acid with dissimilar properties. This amino acid position is highly conserved in available vertebrate species. In addition, this alteration is predicted to be deleterious by in silico analysis. Since supporting evidence is limited at this time, the clinical significance of this alteration remains unclear.

Blueprint Genetics
Classification: Uncertain significance. Last evaluated: 2018-02-20. Review status: criteria provided, single submitter. Criteria: ACMG Guidelines, 2015. Collection method: clinical testing. Allele origin: germline.